The following is an entry in ClinVar:

NM_005476.7(GNE):c.1633+6_1633+7del

Gene: GNE (glucosamine (UDP-N-acetyl)-2-epimerase/N-acetylmannosamine kinase; minus strand). Cytogenetic location: 9p13.3.
Variant type: Microsatellite.
Coding change: c.1633+6_1633+7del on transcript NM_005476.7 (MANE Select); bases 6 to 7 of the intron after coding-DNA position 1633, 2 bases deleted (AG; older notation c.1633+6_1633+7delAG).
Molecular consequence: intron variant.
Genome position (GRCh38, 1-based): chr9:36,222,770-36,222,771, CT deleted on the plus strand (AG on the coding strand, the reverse complement: GNE is on the minus strand); deleting any 2 consecutive bases within chr9:36,222,770-36,222,773 gives the same sequence; the c. name uses the placement nearest the transcript's 3' end. VCF-style (leftmost placement, unchanged base first): chr9-36222769-CCT-C. GRCh37 (hg19) VCF-style: chr9-36222766-CCT-C.
Other names: c.1726+6_1726+7del (NM_001128227.3); c.1303+6_1303+7del (NM_001190384.3); c.1456+6_1456+7del (NM_001374798.1, NM_001190388.2); c.1480+6_1480+7del (NM_001374797.1); c.1411+602_1411+603del (NM_001190383.3).
Identifiers: ClinVar variation 1348480 (VCV001348480.3), dbSNP rs764024703, ClinGen allele CA5056457.

ClinVar aggregate classification (germline): Uncertain significance (1 of 4 stars; one submission).

Conditions:
GNE myopathy (NM). Also called: INCLUSION BODY MYOPATHY 2, AUTOSOMAL RECESSIVE; MYOPATHY, DISTAL, WITH OR WITHOUT RIMMED VACUOLES; NONAKA DISTAL MYOPATHY; IBM 2; Inclusion body myopathy autosomal recessive; Inclusion body myopathy quadriceps sparing. Identifiers: Orphanet 602, MedGen C1853926, MONDO:0011603, OMIM 605820.
Sialuria. Also called: SIALURIA, FRENCH TYPE; Sialic Acid Storage Disease. Identifiers: Orphanet 3166, MedGen C0342853, MONDO:0010028, OMIM 269921.

Submission:

Labcorp Genetics (formerly Invitae), Labcorp
Classification: Uncertain significance for Sialuria; GNE myopathy. Last evaluated: 2022-03-18. Review status: criteria provided, single submitter. Criteria: Invitae Variant Classification Sherloc (09022015). Collection method: clinical testing. Allele origin: germline.
Comment: This sequence change falls in intron 9 of the GNE gene. It does not directly change the encoded amino acid sequence of the GNE protein. It affects a nucleotide within the consensus splice site. This variant is present in population databases (rs764024703, gnomAD 0.0009%). This variant has not been reported in the literature in individuals affected with GNE-related conditions. Variants that disrupt the consensus splice site are a relatively common cause of aberrant splicing (PMID: 17576681, 9536098). Algorithms developed to predict the effect of sequence changes on RNA splicing suggest that this variant may disrupt the consensus splice site. In summary, the available evidence is currently insufficient to determine the role of this variant in disease. Therefore, it has been classified as a Variant of Uncertain Significance.

Literature cited by the submitters: PubMed 17576681; PubMed 9536098.